The following is an entry in ClinVar:

NM_182943.3(PLOD2):c.89A>C (p.Lys30Thr)

Gene: PLOD2 (procollagen-lysine,2-oxoglutarate 5-dioxygenase 2; minus strand). Cytogenetic location: 3q24.
Variant type: single nucleotide variant.
Coding change: c.89A>C on transcript NM_182943.3 (MANE Select); coding-DNA position 89, A replaced by C.
Protein change: p.Lys30Thr; replaces lysine 30 with threonine.
Molecular consequence: missense variant.
Genome position (GRCh38, 1-based): chr3:146,160,901, T>G on the plus strand (A>C on the coding strand, the complement: PLOD2 is on the minus strand). VCF-style: chr3-146160901-T-G. GRCh37 (hg19) VCF-style: chr3-145878688-T-G.
Other names: c.89A>C, p.Lys30Thr (NM_000935.3); c.89A>C (NM_000935.2); short protein forms K30T.
Identifiers: ClinVar variation 1482960 (VCV001482960.6), dbSNP rs750997809, ClinGen allele CA2655382.

ClinVar aggregate classification (germline): Uncertain significance. Review status: criteria provided, multiple submitters, no conflicts (2 of 4 stars). 2 submissions from 2 submitters: Uncertain significance (2). Last evaluated 2024-08-19.

Conditions:
Inborn genetic diseases. Identifiers: MedGen C0950123, MeSH D030342.

Allele frequency attached by ClinVar (database versions not stated): ExAC 0.00003; TOPMed below 0.00001; gnomAD exomes 0.00003.
gnomAD v4.1: 11 of 1,587,756 alleles (0.00069%); highest among the groups gnomAD compares: Admixed American, 0.016%; no homozygotes.

Submissions (2):

Ambry Genetics
Classification: Uncertain significance for Inborn genetic diseases. Last evaluated: 2024-08-19. Review status: criteria provided, single submitter. Criteria: Ambry Variant Classification Scheme 2023. Collection method: clinical testing. Allele origin: germline.

Labcorp Genetics (formerly Invitae), Labcorp
Classification: Uncertain significance. Last evaluated: 2022-08-16. Review status: criteria provided, single submitter. Criteria: Invitae Variant Classification Sherloc (09022015). Collection method: clinical testing. Allele origin: germline.
Comment: This sequence change replaces lysine, which is basic and polar, with threonine, which is neutral and polar, at codon 30 of the PLOD2 protein (p.Lys30Thr). This variant is present in population databases (rs750997809, gnomAD 0.02%). This variant has not been reported in the literature in individuals affected with PLOD2-related conditions. ClinVar contains an entry for this variant (Variation ID: 1482960). Algorithms developed to predict the effect of missense changes on protein structure and function output the following: SIFT: "Tolerated"; PolyPhen-2: "Benign"; Align-GVGD: "Class C0". The threonine amino acid residue is found in multiple mammalian species, which suggests that this missense change does not adversely affect protein function. In summary, the available evidence is currently insufficient to determine the role of this variant in disease. Therefore, it has been classified as a Variant of Uncertain Significance.